The following is an entry in ClinVar:

NM_000051.4(ATM):c.4655A>G (p.Asn1552Ser)

Gene: ATM (ATM serine/threonine kinase; plus strand). Cytogenetic location: 11q22.3.
Variant type: single nucleotide variant.
Coding change: c.4655A>G on transcript NM_000051.4 (MANE Select); coding-DNA position 4655, A replaced by G.
Protein change: p.Asn1552Ser; replaces asparagine 1552 with serine.
Molecular consequence: missense variant.
Genome position (GRCh38, 1-based): chr11:108,293,356, A>G. VCF-style: chr11-108293356-A-G. GRCh37 (hg19) VCF-style: chr11-108164083-A-G.
Other names: c.4655A>G, p.Asn1552Ser (NM_001351834.2); short protein forms N1552S.
Identifiers: ClinVar variation 1062595 (VCV001062595.9), dbSNP rs2135810797, ClinGen allele CA382534662.

ClinVar aggregate classification (germline): Uncertain significance (1 of 4 stars; one submission).

Conditions:
Ataxia-telangiectasia syndrome (AT). Also called: ATAXIA-TELANGIECTASIA, FRESNO VARIANT; Ataxia-telangiectasia, complementation group D; AT, COMPLEMENTATION GROUP C; Ataxia-telangiectasia; Ataxia-telangiectasia, complementation group E; Ataxia telangiectasia (A-T). Identifiers: Orphanet 100, MedGen C0004135, MONDO:0008840, OMIM 208900.

Submission:

Labcorp Genetics (formerly Invitae), Labcorp
Classification: Uncertain significance for Ataxia-telangiectasia syndrome. Last evaluated: 2023-05-30. Review status: criteria provided, single submitter. Criteria: Invitae Variant Classification Sherloc (09022015). Collection method: clinical testing. Allele origin: germline.
Comment: In summary, the available evidence is currently insufficient to determine the role of this variant in disease. Therefore, it has been classified as a Variant of Uncertain Significance. An algorithm developed to predict the effect of missense changes on protein structure and function (PolyPhen-2) suggests that this variant is likely to be tolerated. ClinVar contains an entry for this variant (Variation ID: 1062595). This variant has not been reported in the literature in individuals affected with ATM-related conditions. This variant is not present in population databases (gnomAD no frequency). This sequence change replaces asparagine, which is neutral and polar, with serine, which is neutral and polar, at codon 1552 of the ATM protein (p.Asn1552Ser).